The following is an entry in ClinVar:

ClinVar aggregate classification (germline): Conflicting classifications of pathogenicity. Review status: criteria provided, conflicting classifications (1 of 4 stars). 2 submissions from 2 submitters: Likely pathogenic (1); Uncertain significance (1). Last evaluated 2025-05-07.

Conditions:
Hereditary cancer-predisposing syndrome. Also called: Hereditary Cancer Syndrome; Neoplastic Syndromes, Hereditary; Tumor predisposition; Hereditary neoplastic syndrome. Identifiers: Orphanet 140162, MedGen C0027672, MeSH D009386, MONDO:0015356.

Submissions (2):

Color Diagnostics, LLC DBA Color Health
Classification: Uncertain significance for Hereditary cancer-predisposing syndrome. Last evaluated: 2025-05-07. Review status: criteria provided, single submitter. Criteria: ACMG Guidelines, 2015. Collection method: clinical testing. Allele origin: germline.
Comment: This missense variant replaces leucine with proline at codon 735 of the MSH6 protein. Computational prediction suggests that this variant may have deleterious impact on protein structure and function. To our knowledge, functional studies have not been reported for this variant. This variant has been reported in an individual with recurrent or metastatic prostate cancer (PMID: 29368341). This variant has not been identified in the general population by the Genome Aggregation Database (gnomAD). The available evidence is insufficient to determine the role of this variant in disease conclusively. Therefore, this variant is classified as a Variant of Uncertain Significance.

Ambry Genetics
Classification: Likely pathogenic for Hereditary cancer-predisposing syndrome. Last evaluated: 2025-01-29. Review status: criteria provided, single submitter. Criteria: Ambry Variant Classification Scheme 2023. Collection method: clinical testing. Allele origin: germline.
Comment: The p.L735P variant (also known as c.2204T>C), located in coding exon 4 of the MSH6 gene, results from a T to C substitution at nucleotide position 2204. The leucine at codon 735 is replaced by proline, an amino acid with similar properties. This variant has been identified in multiple probands whose Lynch syndrome-associated tumor demonstrated loss of MSH6 expression by immunohistochemistry (Li S et al. J. Med. Genet. 2020 Jan;57:62-69; External communication). This variant was seen in 1/150 unselected patients with recurrent or metastatic prostate cancer (Isaacsson Velho P et al. Prostate, 2018 Apr;78:401-407). This variant is considered to be rare based on population cohorts in the Genome Aggregation Database (gnomAD). This amino acid position is highly conserved in available vertebrate species. In addition, this alteration is predicted to be deleterious by in silico analysis. Based on the majority of available evidence to date, this variant is likely to be pathogenic.

Literature cited by the submitters: PubMed 29368341 (cited by Color Diagnostics, LLC DBA Color Health and Ambry Genetics).

NM_000179.3(MSH6):c.2204T>C (p.Leu735Pro)

Gene: MSH6 (mutS homolog 6; plus strand). Cytogenetic location: 2p16.3.
Variant type: single nucleotide variant.
Coding change: c.2204T>C on transcript NM_000179.3 (MANE Select); coding-DNA position 2204, T replaced by C.
Protein change: p.Leu735Pro; replaces leucine 735 with proline.
Molecular consequence: missense variant.
Genome position (GRCh38, 1-based): chr2:47,800,187, T>C. VCF-style: chr2-47800187-T-C. GRCh37 (hg19) VCF-style: chr2-48027326-T-C.
Other names: c.1814T>C, p.Leu605Pro (NM_001281492.2); c.1298T>C, p.Leu433Pro (NM_001281493.2, NM_001281494.2); short protein forms L735P, L433P, L605P.
Identifiers: ClinVar variation 489979 (VCV000489979.5), dbSNP rs1553413574, ClinGen allele CA346751386.